The following is an entry in ClinVar:

ClinVar aggregate classification (germline): Uncertain significance (1 of 4 stars; one submission).

Submission:

Labcorp Genetics (formerly Invitae), Labcorp
Classification: Uncertain significance. Last evaluated: 2024-01-25. Review status: criteria provided, single submitter. Criteria: Invitae Variant Classification Sherloc (09022015). Collection method: clinical testing. Allele origin: germline.
Comment: This variant, c.739_741del, results in the deletion of 1 amino acid(s) of the SERPING1 protein (p.Ser247del), but otherwise preserves the integrity of the reading frame. This variant is not present in population databases (gnomAD no frequency). This variant has not been reported in the literature in individuals affected with SERPING1-related conditions. Experimental studies and prediction algorithms are not available or were not evaluated, and the functional significance of this variant is currently unknown. In summary, the available evidence is currently insufficient to determine the role of this variant in disease. Therefore, it has been classified as a Variant of Uncertain Significance.

NM_000062.3(SERPING1):c.733AGC[2] (p.Ser247del)

Gene: SERPING1 (serpin family G member 1; plus strand). Cytogenetic location: 11q12.1.
Variant type: Microsatellite.
Coding change: c.733AGC[2] on transcript NM_000062.3 (MANE Select); two copies in a row of the 3-base unit AGC starting at c.733; the reference has three copies in a row; one copy, 3 bases deleted.
Protein change: p.Ser247del; deletes serine 247.
Molecular consequence: inframe deletion.
Genome position (GRCh38, 1-based): chr11:57,606,063-57,606,065, AGC deleted; deleting any 3 consecutive bases within chr11:57,606,056-57,606,065 gives the same sequence; the position shown is the placement nearest the transcript's 3' end. VCF-style (leftmost placement, unchanged base first): chr11-57606055-ACAG-A. GRCh37 (hg19) VCF-style: chr11-57373528-ACAG-A.
Other names: c.733AGC[2], p.Ser247del (NM_001032295.2); short protein forms S247del.
Identifiers: ClinVar variation 2799235 (VCV002799235.3), dbSNP rs745356216, ClinGen allele CA6008117.